The following is an entry in ClinVar:

NM_020207.7(ERCC6L2):c.757A>G (p.Thr253Ala)

Gene: ERCC6L2 (ERCC excision repair 6 like 2; plus strand). Cytogenetic location: 9q22.32.
Variant type: single nucleotide variant.
Coding change: c.757A>G on transcript NM_020207.7 (MANE Select); coding-DNA position 757, A replaced by G.
Protein change: p.Thr253Ala; replaces threonine 253 with alanine.
Molecular consequence: missense variant. On other transcripts: non-coding transcript variant (1).
Genome position (GRCh38, 1-based): chr9:95,907,240, A>G. VCF-style: chr9-95907240-A-G. GRCh37 (hg19) VCF-style: chr9-98669522-A-G.
Other names: c.757A>G, p.Thr253Ala (NM_001010895.4, NM_001375291.1, NM_001375292.1 and 2 more transcripts); short protein forms T253A.
Identifiers: ClinVar variation 4019295 (VCV004019295.1).

ClinVar aggregate classification (germline): Uncertain significance (1 of 4 stars; one submission).

Conditions:
Inborn genetic diseases. Identifiers: MedGen C0950123, MeSH D030342.

Submission:

Ambry Genetics
Classification: Uncertain significance for Inborn genetic diseases. Last evaluated: 2025-04-06. Review status: criteria provided, single submitter. Criteria: Ambry Variant Classification Scheme 2023. Collection method: clinical testing. Allele origin: germline.
Comment: The p.T253A variant (also known as c.757A>G), located in coding exon 4 of the ERCC6L2 gene, results from an A to G substitution at nucleotide position 757. The threonine at codon 253 is replaced by alanine, an amino acid with similar properties. This amino acid position is conserved. In addition, this alteration is predicted to be deleterious by in silico analysis. Based on the available evidence, the clinical significance of this variant remains unclear.